The following is an entry in ClinVar:

NM_005475.3(SH2B3):c.167C>T (p.Ala56Val)

Gene: SH2B3 (SH2B adaptor protein 3; plus strand). Cytogenetic location: 12q24.12.
Variant type: single nucleotide variant.
Coding change: c.167C>T on transcript NM_005475.3 (MANE Select); coding-DNA position 167, C replaced by T.
Protein change: p.Ala56Val; replaces alanine 56 with valine.
Molecular consequence: missense variant.
Genome position (GRCh38, 1-based): chr12:111,418,312, C>T. VCF-style: chr12-111418312-C-T. GRCh37 (hg19) VCF-style: chr12-111856116-C-T.
Other names: short protein forms A56V.
Identifiers: ClinVar variation 3795227 (VCV003795227.1).

ClinVar aggregate classification (germline): Uncertain significance (1 of 4 stars; one submission).

Conditions:
Inborn genetic diseases. Identifiers: MedGen C0950123, MeSH D030342.

gnomAD v4.1: 4 of 1,527,280 alleles (0.00026%); highest among the groups gnomAD compares: East Asian, 0.0025%; no homozygotes.

Submission:

Ambry Genetics
Classification: Uncertain significance for Inborn genetic diseases. Last evaluated: 2025-02-28. Review status: criteria provided, single submitter. Criteria: Ambry Variant Classification Scheme 2023. Collection method: clinical testing. Allele origin: germline.
Comment: The p.A56V variant (also known as c.167C>T), located in coding exon 1 of the SH2B3 gene, results from a C to T substitution at nucleotide position 167. The alanine at codon 56 is replaced by valine, an amino acid with similar properties. This amino acid position is conserved. In addition, this alteration is predicted to be tolerated by in silico analysis. Based on the available evidence, the clinical significance of this variant remains unclear.